The following is an entry in ClinVar:

ClinVar aggregate classification (germline): Likely benign. Review status: criteria provided, multiple submitters, no conflicts (2 of 4 stars). 3 submissions from 3 submitters: Likely benign (2). 1 of the submissions does not count toward it. Last evaluated 2025-02-16.

Conditions:
ZNF750-related disorder. Also called: ZNF750-related condition.

Allele frequency attached by ClinVar (database versions not stated): 1000 Genomes Project 30x 0.00016; TOPMed 0.00034; gnomAD 0.00043 and 0.00042; ESP Exome Variant Server 0.00040; 1000 Genomes Project 0.00020; gnomAD exomes 0.00032 and 0.00046; ExAC 0.00027.
gnomAD v4.1: 764 of 1,612,704 alleles (0.047%); highest among the groups gnomAD compares: Non-Finnish European, 0.053%; 1 homozygote.

Submissions (5):

Laboratory of Genetics, Children's Clinical University Hospital Latvia
Classification: Likely benign. Last evaluated: 2025-02-16. Review status: criteria provided, single submitter. Criteria: ACMG Guidelines, 2015. Collection method: clinical testing. Allele origin: germline. Affected: yes.

Labcorp Genetics (formerly Invitae), Labcorp
Classification: Likely benign. Last evaluated: 2018-05-21. Review status: criteria provided, single submitter. Criteria: Invitae Variant Classification Sherloc (09022015). Collection method: clinical testing. Allele origin: germline.

PreventionGenetics, part of Exact Sciences
Classification: Likely benign for ZNF750-related condition. Last evaluated: 2019-09-10. Review status: no assertion criteria provided. Collection method: clinical testing. Allele origin: germline. Not counted in ClinVar's aggregate classification.
Comment: This variant is classified as likely benign based on ACMG/AMP sequence variant interpretation guidelines (Richards et al. 2015 PMID: 25741868, with internal and published modifications).

Dr. Peter K. Rogan Lab, Western University
No classification provided (evidence only). Condition: Lung cancer. Review status: no classification provided. Collection method: in vitro. Allele origin: not applicable. Functional consequence: retained intron. Not counted in ClinVar's aggregate classification.

Dr. Peter K. Rogan Lab, Western University
No classification provided (evidence only). Condition: Ovarian serous cystadenocarcinoma. Review status: no classification provided. Collection method: in vitro. Allele origin: not applicable. Functional consequence: retained intron. Not counted in ClinVar's aggregate classification.

NM_024702.3(ZNF750):c.1437-8T>G

Genes: ZNF750 (zinc finger protein 750; minus strand), TBCD (tubulin folding cofactor D). Cytogenetic location: 17q25.3.
Variant type: single nucleotide variant.
Coding change: c.1437-8T>G on transcript NM_024702.3 (MANE Select); 8 bases into the intron before coding-DNA position 1437, T replaced by G.
Molecular consequence: intron variant.
Genome position (GRCh38, 1-based): chr17:82,830,885, A>C on the plus strand (T>G on the coding strand, the complement: ZNF750 is on the minus strand). VCF-style: chr17-82830885-A-C. GRCh37 (hg19) VCF-style: chr17-80788761-A-C.
Other names: NC_000017.10:g.80788761A>C; c.1318+15951A>C (NM_005993.5, NM_001411102.1); c.1267+15951A>C (NM_001411101.1).
Identifiers: ClinVar variation 713023 (VCV000713023.7), dbSNP rs201882140, ClinGen allele CA8862197.
Genomic context (GRCh38, chr17:82,830,885, plus strand): 5'-CGAGAGAGGCGCTTCCGGTCGGAGCAGGAGGGTCTCCGTTCACAACATTGAGGCTAGAAG[A>C]AGCCAAGAAAAAGCTTAGTAGGAGCTTGCTTAGAAAAGCAACTGCGTGAAGCAGTGTGAG-3'